The following is an entry in ClinVar:

ClinVar aggregate classification (germline): Likely pathogenic. Review status: criteria provided, multiple submitters, no conflicts (2 of 4 stars). 5 submissions from 5 submitters: Likely pathogenic (4). 1 of the submissions does not count toward it. Last evaluated 2026-07-22.

Conditions:
Arthrogryposis multiplex congenita 1, neurogenic, with myelin defect. Also called: Arthrogryposis multiplex congenita, neurogenic, with myelin defect. Identifiers: MedGen C4479539, MONDO:0060486, OMIM 617468.
LGI4-related disorder. Also called: LGI4-related condition.

Allele frequency attached by ClinVar (database versions not stated): gnomAD exomes below 0.00001.

Submissions (5):

PreventionGenetics, part of Exact Sciences
Classification: Likely pathogenic for LGI4-related condition. Last evaluated: 2026-07-22. Review status: criteria provided, single submitter. Criteria: ACMG Guidelines, 2015. Collection method: clinical testing. Allele origin: germline.
Comment: The LGI4 c.834delG variant is predicted to result in a frameshift and premature protein termination (p.Ser279Alafs*191). This variant has been reported presumably in the homozygous state in multiple fetuses with in utero anomalies (Table S1, Monies et al. 2019. PubMed ID: 31130284). This variant has not been reported in a large population database (gnomAD), indicating this variant is rare. Frameshift variants in LGI4 are expected to be pathogenic. This variant is interpreted as likely pathogenic.

3billion
Classification: Likely pathogenic for Arthrogryposis multiplex congenita 1, neurogenic, with myelin defect. Last evaluated: 2025-10-27. Review status: criteria provided, single submitter. Criteria: ACMG Guidelines, 2015. Collection method: clinical testing. Allele origin: germline. Affected: yes.
Comment: The variant is observed at an extremely low frequency in the gnomAD v4.1.0 dataset (total allele frequency: <0.001%). Predicted Consequence/Location: Frameshift: predicted to result in a loss or disruption of normal protein function through nonsense-mediated decay (NMD) or protein truncation. Multiple pathogenic variants are reported downstream of the variant. The variant has been reported at least twice as pathogenic without evidence for the classification (ClinVar ID: VCV000800799 /PMID: 31130284). Therefore, this variant is classified as Likely pathogenic according to the recommendation of ACMG/AMP guideline.

Genomic Medicine Center of Excellence, King Faisal Specialist Hospital and Research Centre
Classification: Likely pathogenic for Arthrogryposis multiplex congenita 1, neurogenic, with myelin defect. Last evaluated: 2024-09-22. Review status: criteria provided, single submitter. Criteria: ACMG Guidelines, 2015. Collection method: clinical testing. Allele origin: germline.

Blueprint Genetics
Classification: Likely pathogenic for LGI4-related disorders. Last evaluated: 2021-07-30. Review status: criteria provided, single submitter. Criteria: ACMG Guidelines, 2015. Collection method: clinical testing. Allele origin: germline. Affected: yes. Observed: 2 variant alleles.

Biochemical Molecular Genetic Laboratory, King Abdulaziz Medical City
Classification: Likely pathogenic for Arthrogryposis multiplex congenita 1, neurogenic, with myelin defect. Last evaluated: 2019-08-25. Review status: no assertion criteria provided. Collection method: clinical testing. Allele origin: germline. Affected: yes. Not counted in ClinVar's aggregate classification.

Literature cited by the submitters: PubMed 31130284 (cited by 3billion).

NM_139284.3(LGI4):c.834del (p.Ser279fs)

Gene: LGI4 (leucine rich repeat LGI family member 4; minus strand). Cytogenetic location: 19q13.12.
Variant type: Deletion.
Coding change: c.834del on transcript NM_139284.3 (MANE Select); coding-DNA position 834, one base deleted (G; older notation c.834delG).
Protein change: p.Ser279fs; shifts the reading frame from serine 279.
Molecular consequence: frameshift variant.
Genome position (GRCh38, 1-based): chr19:35,126,735, C deleted on the plus strand (G on the coding strand, the reverse complement: LGI4 is on the minus strand). VCF-style (leftmost placement, unchanged base first): chr19-35126734-TC-T. GRCh37 (hg19) VCF-style: chr19-35617638-TC-T.
Other names: c.834delG (NM_139284.2); short protein forms S279fs.
Identifiers: ClinVar variation 800799 (VCV000800799.5), dbSNP rs1600470099, ClinGen allele CA915952933.